The following is an entry in ClinVar:

ClinVar aggregate classification (germline): Uncertain significance. Review status: criteria provided, multiple submitters, no conflicts (2 of 4 stars). 4 submissions from 4 submitters: Uncertain significance (2). 2 of the submissions do not count toward it. Last evaluated 2021-09-02.

Conditions:
Multiple epiphyseal dysplasia. Also called: Multiple epiphyseal dysplasia (disease). Identifiers: Orphanet 251, MedGen C0026760, MONDO:0016648, HP:0002654.
Multiple epiphyseal dysplasia type 5 (EDM5). Also called: Microepiphyseal dysplasia, bilateral hereditary; MATN3-Related Multiple Epiphyseal Dysplasia. Identifiers: Orphanet 93311, MedGen C1846843, MONDO:0011765, OMIM 607078.

Allele frequency attached by ClinVar (database versions not stated): gnomAD exomes 0.00008; TOPMed 0.00009; gnomAD 0.00012 and 0.00013; 1000 Genomes Project 30x 0.00016.
gnomAD v4.1: 103 of 1,229,358 alleles (0.0084%); highest among the groups gnomAD compares: East Asian, 0.31%; 1 homozygote.

Submissions (4):

Labcorp Genetics (formerly Invitae), Labcorp
Classification: Uncertain significance. Last evaluated: 2021-09-02. Review status: criteria provided, single submitter. Criteria: Invitae Variant Classification Sherloc (09022015). Collection method: clinical testing. Allele origin: germline.
Comment: This sequence change replaces arginine with histidine at codon 70 of the MATN3 protein (p.Arg70His). The arginine residue is weakly conserved and there is a small physicochemical difference between arginine and histidine. The frequency data for this variant in the population databases is considered unreliable, as metrics indicate insufficient coverage at this position in the ExAC database. This missense change has been observed in individual(s) with multipleepiphyseal dysplasia (PMID: 15948199). ClinVar contains an entry for this variant (Variation ID: 7545). Algorithms developed to predict the effect of missense changes on protein structure and function (SIFT, PolyPhen-2, Align-GVGD) all suggest that this variant is likely to be tolerated. In summary, the available evidence is currently insufficient to determine the role of this variant in disease. Therefore, it has been classified as a Variant of Uncertain Significance.

Illumina Laboratory Services, Illumina
Classification: Uncertain significance for Multiple epiphyseal dysplasia type 5. Last evaluated: 2017-04-28. Review status: criteria provided, single submitter. Criteria: ICSL Variant Classification Criteria 13 December 2019. Collection method: clinical testing. Allele origin: germline.
Comment: This variant was observed as part of a predisposition screen in an ostensibly healthy population. A literature search was performed for the gene, cDNA change, and amino acid change (where applicable). Publications were found based on this search. However, the evidence from the literature, in combination with allele frequency data from public databases where available, was not sufficient to rule this variant in or out of causing disease. Therefore, this variant is classified as a variant of unknown significance.

OMIM
Classification: Pathogenic for EPIPHYSEAL DYSPLASIA, MULTIPLE, 5. Last evaluated: 2005-07-30. Review status: no assertion criteria provided. Collection method: literature only. Allele origin: germline. Not counted in ClinVar's aggregate classification.

GeneReviews
No classification provided. Condition: Multiple epiphyseal dysplasia. Review status: no classification provided. Collection method: literature only. Allele origin: germline. Not counted in ClinVar's aggregate classification.

Literature cited by the submitters: PubMed 15948199 (cited by 4 submitters); PubMed 18205203 (cited by Illumina Laboratory Services, Illumina); NCBI Bookshelf NBK1123 (cited by GeneReviews).

NM_002381.5(MATN3):c.209G>A (p.Arg70His)

Gene: MATN3 (matrilin 3; minus strand). Cytogenetic location: 2p24.1.
Variant type: single nucleotide variant.
Coding change: c.209G>A on transcript NM_002381.5 (MANE Select); coding-DNA position 209, G replaced by A.
Protein change: p.Arg70His; replaces arginine 70 with histidine.
Molecular consequence: missense variant.
Genome position (GRCh38, 1-based): chr2:20,012,423, C>T on the plus strand (G>A on the coding strand, the complement: MATN3 is on the minus strand). VCF-style: chr2-20012423-C-T. GRCh37 (hg19) VCF-style: chr2-20212184-C-T.
Other names: short protein forms R70H.
Identifiers: ClinVar variation 7545 (VCV000007545.15), dbSNP rs104893640, ClinGen allele CA254204.
Genomic context (GRCh38, chr2:20,012,423, plus strand): 5'-TCTCCTCGTTCGATGCTCACGCGTCCCTCCCGCCGCCCGCCTGTACCTGCACCGCGGGCG[C>T]GGCCAGGCTCGCTGGTCCCGGAAGCGGGCGCGCCGTCGGGAGCCGCAGGAGAGGGGCGGC-3'
Protein context (NP_002372.1, residues 60-80): APASGTSEPG[Arg70His]ARGAGVCKSR